The following is an entry in ClinVar:

ClinVar aggregate classification (germline): Uncertain significance (1 of 4 stars; one submission).

Allele frequency attached by ClinVar (database versions not stated): TOPMed 0.00001; gnomAD 0.00001; gnomAD exomes below 0.00001.
gnomAD v4.1: 3 of 1,613,988 alleles (0.00019%); highest among the groups gnomAD compares: African/African-American, 0.0027%; no homozygotes.

Submission:

Ambry Genetics
Classification: Uncertain significance. Last evaluated: 2025-05-07. Review status: criteria provided, single submitter. Criteria: Ambry Variant Classification Scheme 2023. Collection method: clinical testing. Allele origin: germline.
Comment: The p.A30V variant (also known as c.89C>T), located in coding exon 1 of the MLH3 gene, results from a C to T substitution at nucleotide position 89. The alanine at codon 30 is replaced by valine, an amino acid with similar properties. This amino acid position is conserved. In addition, this alteration is predicted to be tolerated by in silico analysis. Since supporting evidence is limited at this time, the clinical significance of this alteration remains unclear.

NM_001040108.2(MLH3):c.89C>T (p.Ala30Val)

Gene: MLH3 (mutL homolog 3; minus strand). Cytogenetic location: 14q24.3.
Variant type: single nucleotide variant.
Coding change: c.89C>T on transcript NM_001040108.2 (MANE Select); coding-DNA position 89, C replaced by T.
Protein change: p.Ala30Val; replaces alanine 30 with valine.
Molecular consequence: missense variant.
Genome position (GRCh38, 1-based): chr14:75,049,567, G>A on the plus strand (C>T on the coding strand, the complement: MLH3 is on the minus strand). VCF-style: chr14-75049567-G-A. GRCh37 (hg19) VCF-style: chr14-75516270-G-A.
Other names: c.89C>T, p.Ala30Val (NM_014381.3); short protein forms A30V.
Identifiers: ClinVar variation 1765400 (VCV001765400.3), dbSNP rs1401152871, ClinGen allele CA390451661.